The following is an entry in ClinVar:

NM_001387430.1(SH2B1):c.714C>T (p.Gly238=)

Gene: SH2B1 (SH2B adaptor protein 1; plus strand). Cytogenetic location: 16p11.2.
Variant type: single nucleotide variant.
Coding change: c.714C>T on transcript NM_001387430.1 (MANE Select); coding-DNA position 714, C replaced by T.
Protein change: p.Gly238=; no amino-acid change (glycine 238 retained).
Molecular consequence: synonymous variant. On other transcripts: intron variant (1).
Genome position (GRCh38, 1-based): chr16:28,866,808, C>T. VCF-style: chr16-28866808-C-T. GRCh37 (hg19) VCF-style: chr16-28878129-C-T.
Other names: c.714C>T (NM_001145795.1); c.714C>T, p.Gly238= (NM_001145795.2, NM_001145796.2, NM_001145797.2 and 4 more transcripts); c.-26-566C>T (NM_001308294.2).
Identifiers: ClinVar variation 3015304 (VCV003015304.5), dbSNP rs780881879, ClinGen allele CA7985990.

ClinVar aggregate classification (germline): Likely benign. Review status: criteria provided, single submitter (1 of 4 stars). 2 submissions from 2 submitters: Likely benign (1). 1 of the submissions does not count toward it. Last evaluated 2023-01-22.

Conditions:
SH2B1-related disorder. Also called: SH2B1-related condition.

Allele frequency attached by ClinVar (database versions not stated): gnomAD 0.00002; gnomAD exomes 0.00002; TOPMed 0.00003.
gnomAD v4.1: 28 of 1,582,472 alleles (0.0018%); highest among the groups gnomAD compares: East Asian, 0.0045%; no homozygotes.

Submissions (2):

Labcorp Genetics (formerly Invitae), Labcorp
Classification: Likely benign. Last evaluated: 2023-01-22. Review status: criteria provided, single submitter. Criteria: Invitae Variant Classification Sherloc (09022015). Collection method: clinical testing. Allele origin: germline.

PreventionGenetics, part of Exact Sciences
Classification: Likely benign for SH2B1-related condition. Last evaluated: 2022-04-29. Review status: no assertion criteria provided. Collection method: clinical testing. Allele origin: germline. Not counted in ClinVar's aggregate classification.
Comment: This variant is classified as likely benign based on ACMG/AMP sequence variant interpretation guidelines (Richards et al. 2015 PMID: 25741868, with internal and published modifications).